The following is an entry in ClinVar:

ClinVar aggregate classification (germline): Uncertain significance. Review status: criteria provided, multiple submitters, no conflicts (2 of 4 stars). 3 submissions from 3 submitters: Uncertain significance (3). Last evaluated 2024-02-16.

Conditions:
Inborn genetic diseases. Identifiers: MedGen C0950123, MeSH D030342.

Allele frequency attached by ClinVar (database versions not stated): gnomAD exomes 0.00003 and 0.00005; ExAC 0.00004; ESP Exome Variant Server 0.00008; TOPMed 0.00021; gnomAD 0.00025 and 0.00028.
gnomAD v4.1: 91 of 1,613,714 alleles (0.0056%); highest among the groups gnomAD compares: African/African-American, 0.063%; no homozygotes.

Submissions (3):

Blueprint Genetics
Classification: Uncertain significance. Last evaluated: 2024-02-16. Review status: criteria provided, single submitter. Criteria: ACMG Guidelines, 2015. Collection method: clinical testing. Allele origin: germline.

Labcorp Genetics (formerly Invitae), Labcorp
Classification: Uncertain significance. Last evaluated: 2023-10-13. Review status: criteria provided, single submitter. Criteria: Invitae Variant Classification Sherloc (09022015). Collection method: clinical testing. Allele origin: germline.
Comment: This sequence change replaces arginine, which is basic and polar, with cysteine, which is neutral and slightly polar, at codon 1067 of the KIAA1549 protein (p.Arg1067Cys). This variant is present in population databases (rs376870832, gnomAD 0.07%). This variant has not been reported in the literature in individuals affected with KIAA1549-related conditions. ClinVar contains an entry for this variant (Variation ID: 933538). An algorithm developed to predict the effect of missense changes on protein structure and function (PolyPhen-2) suggests that this variant is likely to be disruptive. In summary, the available evidence is currently insufficient to determine the role of this variant in disease. Therefore, it has been classified as a Variant of Uncertain Significance.

Ambry Genetics
Classification: Uncertain significance for Inborn genetic diseases. Last evaluated: 2022-02-17. Review status: criteria provided, single submitter. Criteria: Ambry Variant Classification Scheme 2023. Collection method: clinical testing. Allele origin: germline.

NM_001164665.2(KIAA1549):c.3199C>T (p.Arg1067Cys)

Gene: KIAA1549 (KIAA1549; minus strand). Cytogenetic location: 7q34.
Variant type: single nucleotide variant.
Coding change: c.3199C>T on transcript NM_001164665.2 (MANE Select); coding-DNA position 3199, C replaced by T.
Protein change: p.Arg1067Cys; replaces arginine 1067 with cysteine.
Molecular consequence: missense variant.
Genome position (GRCh38, 1-based): chr7:138,909,068, G>A on the plus strand (C>T on the coding strand, the complement: KIAA1549 is on the minus strand). VCF-style: chr7-138909068-G-A. GRCh37 (hg19) VCF-style: chr7-138593814-G-A.
Other names: c.3199C>T, p.Arg1067Cys (NM_020910.3); short protein forms R1067C.
Identifiers: ClinVar variation 933538 (VCV000933538.9), dbSNP rs376870832, ClinGen allele CA4506289.